The following is an entry in ClinVar:

NM_016151.4(TAOK2):c.1140GGA[2] (p.Glu389_Glu392del)

Gene: TAOK2 (TAO kinase 2; plus strand). Cytogenetic location: 16p11.2.
Variant type: Microsatellite.
Coding change: c.1140GGA[2] on transcript NM_016151.4 (MANE Select); two copies in a row of the 3-base unit GGA starting at c.1140; the reference has six copies in a row; four copies, 12 bases deleted.
Protein change: p.Glu389_Glu392del.
Molecular consequence: inframe deletion.
Genome position (GRCh38, 1-based): chr16:29,983,218-29,983,229, GGAGGAGGAGGA deleted; deleting any 12 consecutive bases within chr16:29,983,210-29,983,229 gives the same sequence; the position shown is the placement nearest the transcript's 3' end. VCF-style (leftmost placement, unchanged base first): chr16-29983209-AGAGGAGGAGGAG-A. GRCh37 (hg19) VCF-style: chr16-29994530-AGAGGAGGAGGAG-A.
Other names: c.1140GGA[2], p.Glu389_Glu392del (NM_001252043.2, NM_004783.4).
Identifiers: ClinVar variation 1499051 (VCV001499051.8), dbSNP rs368747234, ClinGen allele CA7998055.

ClinVar aggregate classification (germline): Uncertain significance (1 of 4 stars; one submission).

Submission:

Labcorp Genetics (formerly Invitae), Labcorp
Classification: Uncertain significance. Last evaluated: 2022-10-07. Review status: criteria provided, single submitter. Criteria: Invitae Variant Classification Sherloc (09022015). Collection method: clinical testing. Allele origin: germline.
Comment: This variant has not been reported in the literature in individuals affected with TAOK2-related conditions. This variant, c.1146_1157del, results in the deletion of 4 amino acid(s) of the TAOK2 protein (p.Glu389_Glu392del), but otherwise preserves the integrity of the reading frame. This variant is not present in population databases (gnomAD no frequency). Experimental studies and prediction algorithms are not available or were not evaluated, and the functional significance of this variant is currently unknown. In summary, the available evidence is currently insufficient to determine the role of this variant in disease. Therefore, it has been classified as a Variant of Uncertain Significance.